The following is an entry in ClinVar:

NM_000329.3(RPE65):c.1334A>G (p.Asp445Gly)

Gene: RPE65 (retinoid isomerohydrolase RPE65; minus strand). Cytogenetic location: 1p31.3.
Variant type: single nucleotide variant.
Coding change: c.1334A>G on transcript NM_000329.3 (MANE Select); coding-DNA position 1334, A replaced by G.
Protein change: p.Asp445Gly; replaces aspartic acid 445 with glycine.
Molecular consequence: missense variant.
Genome position (GRCh38, 1-based): chr1:68,431,286, T>C on the plus strand (A>G on the coding strand, the complement: RPE65 is on the minus strand). VCF-style: chr1-68431286-T-C. GRCh37 (hg19) VCF-style: chr1-68896969-T-C.
Other names: short protein forms D445G.
Identifiers: ClinVar variation 1430518 (VCV001430518.5), dbSNP rs1645824155, ClinGen allele CA340742364.
Genomic context (GRCh38, chr1:68,431,286, plus strand): 5'-CTTGACTAGCATATACTCAAAGCACTGTTCAAATATTAGTAAGAAGGATTAATTACCCTA[T>C]CTGGAACAAAGTGATTCAAGCCAAGTCCATACGCATATGTGTAAGGTTTCCCACAATACT-3'
Protein context (NP_000320.1, residues 435-455): YGLGLNHFVP[Asp445Gly]RLCKLNVKTK

ClinVar aggregate classification (germline): Uncertain significance (1 of 4 stars; one submission).

Conditions:
Retinitis pigmentosa 20 (RP20). Identifiers: Orphanet 791, MedGen C3151086, MONDO:0013425, OMIM 613794.
Leber congenital amaurosis 2 (LCA2). Also called: Autosomal Recessive RPE65-Related Retinal Degeneration; AMAUROSIS CONGENITA OF LEBER II. Identifiers: Orphanet 65, MedGen C1859844, MONDO:0008765, OMIM 204100. Disease mechanism: loss of function.

Allele frequency attached by ClinVar (database versions not stated): gnomAD 0.00001; gnomAD exomes 0.00001.
gnomAD v4.1: 10 of 1,613,620 alleles (0.00062%); highest among the groups gnomAD compares: African/African-American, 0.0027%; no homozygotes.

Submission:

Labcorp Genetics (formerly Invitae), Labcorp
Classification: Uncertain significance for Leber congenital amaurosis 2; Retinitis pigmentosa 20. Last evaluated: 2022-06-27. Review status: criteria provided, single submitter. Criteria: Invitae Variant Classification Sherloc (09022015). Collection method: clinical testing. Allele origin: germline.
Comment: This sequence change replaces aspartic acid, which is acidic and polar, with glycine, which is neutral and non-polar, at codon 445 of the RPE65 protein (p.Asp445Gly). This variant is not present in population databases (gnomAD no frequency). This variant has not been reported in the literature in individuals affected with RPE65-related conditions. Algorithms developed to predict the effect of missense changes on protein structure and function are either unavailable or do not agree on the potential impact of this missense change (SIFT: "Tolerated"; PolyPhen-2: "Possibly Damaging"; Align-GVGD: "Class C0"). Algorithms developed to predict the effect of sequence changes on RNA splicing suggest that this variant may disrupt the consensus splice site. In summary, the available evidence is currently insufficient to determine the role of this variant in disease. Therefore, it has been classified as a Variant of Uncertain Significance.